The following is an entry in ClinVar:

Single allele

Variant type: Deletion.
Identifiers: ClinVar variation 156957 (VCV000156957.2).

ClinVar aggregate classification (germline): not provided (0 of 4 stars; one submission).

Conditions:
Preeclampsia. Identifiers: Orphanet 275555, MedGen C0032914, MONDO:0005081, HP:0100602.

Submission:

Institute of Molecular and Cell Biology, University of Tartu
No classification provided. Condition: Preeclampsia. Review status: no classification provided. Collection method: case-control. Allele origin: unknown. Affected: yes. Study: Kasak2014.
Comment: The study aimed to determine the contribution of copy number variants in the genetic etiology of normal and complicated pregnancies. The samples represented (i) maternal blood DNA drawn from healthy pregnant women during 1st or 2nd trimester and (ii) maternal and paternal blood DNA drawn at term pregnancy cases representing normal and complicated gestations (severe preeclampsia, PE; gestational diabetes, GD; small-for-gestational age newborn, SGA; large-for-gestational age newborn, LGA). We performed CNV calling based on genome-wide genotyping dataset (Illumina HumanOmniExpress-24-v1 BeadChip) by applying three algorithms, QuantiSNP, GADA (Genome Alteration Detection Algorithm) and CNstream in parallel. The acquired CNV calls were merged with HD-CNV (Hotspot Detector for Copy Number Variants) program and only the CNVs predicted by at least two programs, were considered in subsequent analysis.

Literature cited by the submitters: PubMed 25666259.